The following is an entry in ClinVar:

NM_001042492.3(NF1):c.7090C>A (p.Arg2364=)

Gene: NF1 (neurofibromin 1; plus strand). Cytogenetic location: 17q11.2.
Variant type: single nucleotide variant.
Coding change: c.7090C>A on transcript NM_001042492.3 (MANE Select); coding-DNA position 7090, C replaced by A.
Protein change: p.Arg2364=; no amino-acid change (arginine 2364 retained).
Molecular consequence: synonymous variant.
Genome position (GRCh38, 1-based): chr17:31,343,036, C>A. VCF-style: chr17-31343036-C-A. GRCh37 (hg19) VCF-style: chr17-29670054-C-A.
Other names: c.7027C>A, p.Arg2343= (NM_000267.4).
Identifiers: ClinVar variation 574345 (VCV000574345.6), dbSNP rs1567620403, ClinGen allele CA499236816.

ClinVar aggregate classification (germline): Benign/Likely benign. Review status: criteria provided, multiple submitters, no conflicts (2 of 4 stars). 2 submissions from 2 submitters: Benign (1); Likely benign (1). Last evaluated 2026-09-23.

Conditions:
Neurofibromatosis, type 1 (NF1). Also called: VON RECKLINGHAUSEN DISEASE; Peripheral type neurofibromatosis; NEUROFIBROMATOSIS, TYPE I, SOMATIC; Neurofibromatosis, type I. Identifiers: Orphanet 636, MedGen C0027831, MONDO:0018975, OMIM 162200. Disease mechanism: loss of function.

Submissions (2):

Myriad Genetics, Inc.
Classification: Benign for Neurofibromatosis, type 1. Last evaluated: 2026-09-23. Review status: criteria provided, single submitter. Criteria: Myriad Autosomal Dominant, Autosomal Recessive and X-Linked Classification Criteria (2023). Collection method: clinical testing. Allele origin: unknown.
Comment: This variant is considered benign. This variant is a silent/synonymous amino acid change and it is not expected to impact splicing.

Labcorp Genetics (formerly Invitae), Labcorp
Classification: Likely benign for Neurofibromatosis, type 1. Last evaluated: 2023-07-03. Review status: criteria provided, single submitter. Criteria: Invitae Variant Classification Sherloc (09022015). Collection method: clinical testing. Allele origin: germline.